The following is an entry in ClinVar:

NM_014994.3(MAPKBP1):c.4083C>T (p.Ser1361=)

Gene: MAPKBP1 (mitogen-activated protein kinase binding protein 1; plus strand). Cytogenetic location: 15q15.1.
Variant type: single nucleotide variant.
Coding change: c.4083C>T on transcript NM_014994.3 (MANE Select); coding-DNA position 4083, C replaced by T.
Protein change: p.Ser1361=; no amino-acid change (serine 1361 retained).
Molecular consequence: synonymous variant. On other transcripts: non-coding transcript variant (2), intron variant (1).
Genome position (GRCh38, 1-based): chr15:41,823,931, C>T. VCF-style: chr15-41823931-C-T. GRCh37 (hg19) VCF-style: chr15-42116129-C-T.
Other names: p.Ser1367=; c.4101C>T, p.Ser1367= (NM_001128608.2); c.3383-553C>T (NM_001265611.2).
Identifiers: ClinVar variation 4683966 (VCV004683966.3).

ClinVar aggregate classification (germline): Likely benign. Review status: criteria provided, multiple submitters, no conflicts (2 of 4 stars). 3 submissions from 3 submitters: Likely benign (3). Last evaluated 2025-07-19.

gnomAD v4.1: 57 of 1,614,124 alleles (0.0035%); highest among the groups gnomAD compares: Admixed American, 0.005%; no homozygotes.

Submissions (3):

Labcorp Genetics (formerly Invitae), Labcorp
Classification: Likely benign. Last evaluated: 2025-07-19. Review status: criteria provided, single submitter. Criteria: Invitae Variant Classification Sherloc (09022015). Collection method: clinical testing. Allele origin: germline.

Mayo Clinic Laboratories, Mayo Clinic
Classification: Likely benign. Last evaluated: 2025-05-05. Review status: criteria provided, single submitter. Criteria: ACMG Guidelines, 2015. Collection method: clinical testing. Allele origin: germline. Observed: 1 variant allele.
Comment: BP4, BP7

Blueprint Genetics
Classification: Likely benign. Last evaluated: 2024-09-12. Review status: criteria provided, single submitter. Criteria: ACMG Guidelines, 2015. Collection method: clinical testing. Allele origin: germline.